The following is an entry in ClinVar:

ClinVar aggregate classification (germline): Uncertain significance (1 of 4 stars; one submission).

gnomAD v4.1: 12 of 1,614,100 alleles (0.00074%); highest among the groups gnomAD compares: Admixed American, 0.0017%; no homozygotes.

Submission:

Labcorp Genetics (formerly Invitae), Labcorp
Classification: Uncertain significance. Last evaluated: 2024-03-13. Review status: criteria provided, single submitter. Criteria: Invitae Variant Classification Sherloc (09022015). Collection method: clinical testing. Allele origin: germline.
Comment: This sequence change replaces threonine, which is neutral and polar, with methionine, which is neutral and non-polar, at codon 136 of the COX4I2 protein (p.Thr136Met). This variant is present in population databases (rs201685557, gnomAD 0.007%). This variant has not been reported in the literature in individuals affected with COX4I2-related conditions. Algorithms developed to predict the effect of missense changes on protein structure and function output the following: SIFT: "Not Available"; PolyPhen-2: "Benign"; Align-GVGD: "Not Available". The methionine amino acid residue is found in multiple mammalian species, which suggests that this missense change does not adversely affect protein function. In summary, the available evidence is currently insufficient to determine the role of this variant in disease. Therefore, it has been classified as a Variant of Uncertain Significance.

NM_032609.3(COX4I2):c.407C>T (p.Thr136Met)

Gene: COX4I2 (cytochrome c oxidase subunit 4I2; plus strand). Cytogenetic location: 20q11.21.
Variant type: single nucleotide variant.
Coding change: c.407C>T on transcript NM_032609.3 (MANE Select); coding-DNA position 407, C replaced by T.
Protein change: p.Thr136Met; replaces threonine 136 with methionine.
Molecular consequence: missense variant.
Genome position (GRCh38, 1-based): chr20:31,644,795, C>T. VCF-style: chr20-31644795-C-T. GRCh37 (hg19) VCF-style: chr20-30232598-C-T.
Other names: short protein forms T136M.
Identifiers: ClinVar variation 3622008 (VCV003622008.2).